The following is an entry in ClinVar:

ClinVar aggregate classification (germline): Likely benign (0 of 4 stars; one submission).

Conditions:
SNRPA-related disorder. Also called: SNRPA-related condition.

Allele frequency attached by ClinVar (database versions not stated): gnomAD 0.00001; ExAC 0.00005.
gnomAD v4.1: 141 of 1,613,524 alleles (0.0087%); highest among the groups gnomAD compares: South Asian, 0.022%; no homozygotes.

Submission:

PreventionGenetics, part of Exact Sciences
Classification: Likely benign for SNRPA-related condition. Last evaluated: 2019-06-06. Review status: no assertion criteria provided. Collection method: clinical testing. Allele origin: germline.
Comment: This variant is classified as likely benign based on ACMG/AMP sequence variant interpretation guidelines (Richards et al. 2015 PMID: 25741868, with internal and published modifications).

NM_004596.5(SNRPA):c.450G>A (p.Ala150=)

Gene: SNRPA (small nuclear ribonucleoprotein polypeptide A; plus strand). Cytogenetic location: 19q13.2.
Variant type: single nucleotide variant.
Coding change: c.450G>A on transcript NM_004596.5 (MANE Select); coding-DNA position 450, G replaced by A.
Protein change: p.Ala150=; no amino-acid change (alanine 150 retained).
Molecular consequence: synonymous variant.
Genome position (GRCh38, 1-based): chr19:40,762,924, G>A. VCF-style: chr19-40762924-G-A. GRCh37 (hg19) VCF-style: chr19-41268829-G-A.
Identifiers: ClinVar variation 3039448 (VCV003039448.2), dbSNP rs773592729, ClinGen allele CA9451550.